The following is an entry in ClinVar:

ClinVar aggregate classification (germline): Pathogenic/Likely pathogenic. Review status: criteria provided, multiple submitters, no conflicts (2 of 4 stars). 2 submissions from 2 submitters: Pathogenic (1); Likely pathogenic (1). Last evaluated 2026-08-05.

Conditions:
Duchenne muscular dystrophy (DMD). Also called: MUSCULAR DYSTROPHY, PSEUDOHYPERTROPHIC PROGRESSIVE, DUCHENNE TYPE; Duchenne Muscular Dystrophy (DMD). Identifiers: Orphanet 98896, MedGen C0013264, MONDO:0010679, OMIM 310200.

Submissions (2):

Kasturba Medical College, Manipal, Kasturba Medical College, Manipal, Manipal Academy of Higher Education, Manipal, India
Classification: Pathogenic for Duchenne muscular dystrophy. Last evaluated: 2026-08-05. Review status: criteria provided, single submitter. Criteria: ACMG Guidelines, 2015. Collection method: research. Allele origin: maternal. Inheritance: X-linked recessive inheritance. Affected: yes. Observed: 1 variant allele, 1 hemizygote.
Comment: This variant is absent in the gnomAD (v4.1.0) population database and in our in-house database of 4376 exomes.

Mendelics
Classification: Likely pathogenic for Duchenne muscular dystrophy. Last evaluated: 2019-05-28. Review status: criteria provided, single submitter. Criteria: Mendelics Assertion Criteria 2017. Collection method: clinical testing. Allele origin: unknown.

NM_004006.3(DMD):c.6407G>A (p.Trp2136Ter)

Gene: DMD (dystrophin; minus strand). Cytogenetic location: Xp21.1.
Variant type: single nucleotide variant.
Coding change: c.6407G>A on transcript NM_004006.3 (MANE Select); coding-DNA position 6407, G replaced by A.
Protein change: p.Trp2136Ter; replaces tryptophan 2136 with a stop codon.
Molecular consequence: nonsense.
Genome position (GRCh38, 1-based): chrX:32,216,947, C>T on the plus strand (G>A on the coding strand, the complement: DMD is on the minus strand). VCF-style: chrX-32216947-C-T. GRCh37 (hg19) VCF-style: chrX-32235064-C-T.
Other names: c.6383G>A, p.Trp2128Ter (NM_000109.4); c.6395G>A, p.Trp2132Ter (NM_004009.3); c.6038G>A, p.Trp2013Ter (NM_004010.3); c.2384G>A, p.Trp795Ter (NM_004011.4); c.2375G>A, p.Trp792Ter (NM_004012.4); short protein forms W795*, W2013*, W2132*, W792*, W2136*, W2128*.
Identifiers: ClinVar variation 803849 (VCV000803849.2), dbSNP rs1603628479, ClinGen allele CA412660536.
Genomic context (GRCh38, chrX:32,216,947, plus strand): 5'-AATTTCGAAAAAACAAATCAAAGACTTACCTTAAGATACCATTTGTATTTAGCATGTTCC[C>T]AATTCTCAGGAATTTGTGTCTTTCTGAGAAACTGTTCAGCTTCTGTTAGCCACTGATTAA-3'